The following is an entry in ClinVar:

ClinVar aggregate classification (germline): Uncertain significance (1 of 4 stars; one submission).

gnomAD v4.1: 1 of 1,612,696 alleles (0.000062%); highest among the groups gnomAD compares: Non-Finnish European, 0.000085%; no homozygotes.

Submission:

GeneDx
Classification: Uncertain significance. Last evaluated: 2024-11-12. Review status: criteria provided, single submitter. Criteria: GeneDx Variant Classification Process June 2021. Collection method: clinical testing. Allele origin: germline. Affected: yes.
Comment: Not observed at significant frequency in large population cohorts (gnomAD); Missense variant in a gene in which most reported pathogenic variants are truncating/loss of function; Has not been previously published as pathogenic or benign to our knowledge

NM_001267550.2(TTN):c.34126G>A (p.Glu11376Lys)

Gene: TTN (titin; minus strand). Cytogenetic location: 2q31.2.
Variant type: single nucleotide variant.
Coding change: c.34126G>A on transcript NM_001267550.2 (MANE Select); coding-DNA position 34126, G replaced by A.
Protein change: p.Glu11376Lys; replaces glutamic acid 11376 with lysine.
Molecular consequence: missense variant. On other transcripts: intron variant (3).
Genome position (GRCh38, 1-based): chr2:178,677,786, C>T on the plus strand (G>A on the coding strand, the complement: TTN is on the minus strand). VCF-style: chr2-178677786-C-T. GRCh37 (hg19) VCF-style: chr2-179542513-C-T.
Other names: c.33175G>A, p.Glu11059Lys (NM_001256850.1); c.30394G>A, p.Glu10132Lys (NM_133378.4); c.13283-35469G>A (NM_003319.4); c.13859-35469G>A (NM_133437.4); c.13658-35469G>A (NM_133432.3); short protein forms E10132K, E11059K, E11376K.
Identifiers: ClinVar variation 3898804 (VCV003898804.1).
Genomic context (GRCh38, chr2:178,677,786, plus strand): 5'-CTTCCTCAGGTGGAATTTCCTCTTCTTCAGGTAGAACTTCCTCTTCTTCAGGTAGAACTT[C>T]CTCTTCCTCAGGTAGAACTTCCTCTTCCTCAGGTAGAACTTCCTCTTCAGGAACAATTTC-3'
Protein context (NP_001254479.2, residues 11366-11386): EEEEVLPEEE[Glu11376Lys]VLPEEEEVLP